The following is an entry in ClinVar:

NM_018109.4(MTPAP):c.236del (p.Val78_Leu79insTer)

Gene: MTPAP (mitochondrial poly(A) polymerase; minus strand). Cytogenetic location: 10p11.23.
Variant type: Deletion.
Coding change: c.236del on transcript NM_018109.4 (MANE Select); coding-DNA position 236, one base deleted (T; older notation c.236delT).
Protein change: p.Val78_Leu79insTer.
Molecular consequence: nonsense.
Genome position (GRCh38, 1-based): chr10:30,341,562, A deleted on the plus strand (T on the coding strand, the reverse complement: MTPAP is on the minus strand); the first of 4 consecutive A bases (chr10:30,341,562-30,341,565); deleting any one gives the same sequence. VCF-style (leftmost placement, unchanged base first): chr10-30341561-TA-T. GRCh37 (hg19) VCF-style: chr10-30630490-TA-T.
Identifiers: ClinVar variation 1998810 (VCV001998810.4), dbSNP rs2538469576, ClinGen allele CA2580081453.

ClinVar aggregate classification (germline): Uncertain significance (1 of 4 stars; one submission).

Submission:

Labcorp Genetics (formerly Invitae), Labcorp
Classification: Uncertain significance. Last evaluated: 2022-05-25. Review status: criteria provided, single submitter. Criteria: Invitae Variant Classification Sherloc (09022015). Collection method: clinical testing. Allele origin: germline.
Comment: This sequence change creates a premature translational stop signal (p.Leu79*) in the MTPAP gene. It is expected to result in an absent or disrupted protein product. However, the current clinical and genetic evidence is not sufficient to establish whether loss-of-function variants in MTPAP cause disease. This variant is not present in population databases (gnomAD no frequency). This variant has not been reported in the literature in individuals affected with MTPAP-related conditions. In summary, the available evidence is currently insufficient to determine the role of this variant in disease. Therefore, it has been classified as a Variant of Uncertain Significance.